The following continues an entry in ClinVar:

NM_001267550.2(TTN):c.30389G>A (p.Arg10130His)

Gene: TTN. ClinVar aggregate classification (germline): Conflicting classifications of pathogenicity. Uncertain significance (12); Benign (2); Likely benign (5).

Submissions 17 to 23 of 23:

Illumina Laboratory Services, Illumina
Classification: Benign for Myopathy, myofibrillar, 9, with early respiratory failure. Last evaluated: 2018-01-12. Review status: criteria provided, single submitter. Criteria: ICSL Variant Classification Criteria 13 December 2019. Collection method: clinical testing. Allele origin: germline.
Comment: This variant was observed in the ICSL laboratory as part of a predisposition screen in an ostensibly healthy population. It had not been previously curated by ICSL or reported in the Human Gene Mutation Database (HGMD: prior to June 1st, 2018), and was therefore a candidate for classification through an automated scoring system. Utilizing variant allele frequency, disease prevalence and penetrance estimates, and inheritance mode, an automated score was calculated to assess if this variant is too frequent to cause the disease. Based on the score and internal cut-off values, a variant classified as benign is not then subjected to further curation. The score for this variant resulted in a classification of benign for this disease.

Illumina Laboratory Services, Illumina
Classification: Benign for Tibial muscular dystrophy. Last evaluated: 2018-01-12. Review status: criteria provided, single submitter. Criteria: ICSL Variant Classification Criteria 13 December 2019. Collection method: clinical testing. Allele origin: germline.
Comment: the same text as in the submission from Illumina Laboratory Services, Illumina above.

Labcorp Genetics (formerly Invitae), Labcorp
Classification: Uncertain significance for Dilated cardiomyopathy 1G; Autosomal recessive limb-girdle muscular dystrophy type 2J. Last evaluated: 2017-11-28. Review status: criteria provided, single submitter. Criteria: Invitae Variant Classification Sherloc (09022015). Collection method: clinical testing. Allele origin: germline.

Clinical Genetics DNA and cytogenetics Diagnostics Lab, Erasmus MC, Erasmus Medical Center
Classification: Likely benign. Review status: no assertion criteria provided. Collection method: clinical testing. Allele origin: germline. Affected: yes. Study: VKGL Data-share Consensus. Not counted in ClinVar's aggregate classification.

Diagnostic Laboratory, Department of Genetics, University Medical Center Groningen
Classification: Likely benign. Review status: no assertion criteria provided. Collection method: clinical testing. Allele origin: germline. Affected: yes. Study: VKGL Data-share Consensus. Not counted in ClinVar's aggregate classification.

Genome Diagnostics Laboratory, University Medical Center Utrecht
Classification: Likely benign. Review status: no assertion criteria provided. Collection method: clinical testing. Allele origin: germline. Affected: yes. Study: VKGL Data-share Consensus. Not counted in ClinVar's aggregate classification.

Joint Genome Diagnostic Labs from Nijmegen and Maastricht, Radboudumc and MUMC+
Classification: Likely benign. Review status: no assertion criteria provided. Collection method: clinical testing. Allele origin: germline. Affected: yes. Study: VKGL Data-share Consensus. Not counted in ClinVar's aggregate classification.

Literature cited by the submitters: PubMed 28750076 (cited by Athena Diagnostics and Women's Health and Genetics/Laboratory Corporation of America, LabCorp); PubMed 24459294 (cited by Athena Diagnostics); PubMed 29961767 (cited by Athena Diagnostics and Women's Health and Genetics/Laboratory Corporation of America, LabCorp); PubMed 26498160 (cited by Women's Health and Genetics/Laboratory Corporation of America, LabCorp).